The following is an entry in ClinVar:

NM_001375524.1(TRRAP):c.2676C>T (p.Tyr892=)

Gene: TRRAP (transformation/transcription domain associated protein; plus strand). Cytogenetic location: 7q22.1.
Variant type: single nucleotide variant.
Coding change: c.2676C>T on transcript NM_001375524.1 (MANE Select); coding-DNA position 2676, C replaced by T.
Protein change: p.Tyr892=; no amino-acid change (tyrosine 892 retained).
Molecular consequence: synonymous variant.
Genome position (GRCh38, 1-based): chr7:98,921,806, C>T. VCF-style: chr7-98921806-C-T. GRCh37 (hg19) VCF-style: chr7-98519429-C-T.
Other names: c.2676C>T, p.Tyr892= (NM_001244580.2, NM_003496.4).
Identifiers: ClinVar variation 4534821 (VCV004534821.6).

ClinVar aggregate classification (germline): Likely benign (1 of 4 stars; one submission).

Submission:

CeGaT Center for Human Genetics Tuebingen
Classification: Likely benign. Last evaluated: 2025-10-01. Review status: criteria provided, single submitter. Criteria: CeGaT Center For Human Genetics Tuebingen Variant Classification Criteria Version 2. Collection method: clinical testing. Allele origin: germline. Affected: yes. Observed: 1 variant allele.
Comment: TRRAP: PM2:Supporting, BP4, BP7